The following is an entry in ClinVar:

NM_007294.4(BRCA1):c.5293G>T (p.Glu1765Ter)

Gene: BRCA1 (BRCA1 DNA repair associated; minus strand). Cytogenetic location: 17q21.31.
Variant type: single nucleotide variant.
Coding change: c.5293G>T on transcript NM_007294.4 (MANE Select); coding-DNA position 5293, G replaced by T.
Protein change: p.Glu1765Ter; replaces glutamic acid 1765 with a stop codon.
Molecular consequence: nonsense. On other transcripts: non-coding transcript variant (1).
Genome position (GRCh38, 1-based): chr17:43,051,102, C>A on the plus strand (G>T on the coding strand, the complement: BRCA1 is on the minus strand). VCF-style: chr17-43051102-C-A. GRCh37 (hg19) VCF-style: chr17-41203119-C-A.
Other names: c.5290G>T, p.Glu1764Ter (NM_001407613.1, NM_001407614.1, NM_001407615.1 and 17 more transcripts); c.5215G>T, p.Glu1739Ter (NM_001407654.1, NM_001407655.1, NM_001407652.1 and 1 more transcripts); c.5212G>T, p.Glu1738Ter (NM_001407656.1, NM_001407657.1, NM_001407658.1); c.5209G>T, p.Glu1737Ter (NM_001407659.1, NM_001407660.1, NM_001407661.1 and 2 more transcripts); c.5167G>T, p.Glu1723Ter (NM_001407673.1, NM_001407674.1, NM_001407675.1 and 10 more transcripts); c.5164G>T, p.Glu1722Ter (NM_001407681.1, NM_001407682.1, NM_001407683.1 and 6 more transcripts); c.5152G>T, p.Glu1718Ter (NM_001407694.1, NM_001407695.1, NM_001407696.1 and 13 more transcripts); c.5146G>T, p.Glu1716Ter (NM_001407843.1, NM_001407844.1, NM_001407845.1 and 12 more transcripts); and 72 more; short protein forms E1765*, E661*, E1718*, E1786*, E1469*, E1638*, E1676*, E1717*.
Identifiers: ClinVar variation 55511 (VCV000055511.8), dbSNP rs397509256, ClinGen allele CA003451.

ClinVar aggregate classification (germline): Pathogenic. Review status: reviewed by expert panel (3 of 4 stars). 3 submissions from 3 submitters: Pathogenic (1). 2 of the submissions do not count toward it. Last evaluated 2017-12-15.

Conditions:
Hereditary cancer-predisposing syndrome. Also called: Hereditary Cancer Syndrome; Hereditary neoplastic syndrome; Neoplastic Syndromes, Hereditary; Tumor predisposition. Identifiers: Orphanet 140162, MedGen C0027672, MeSH D009386, MONDO:0015356.
Breast-ovarian cancer, familial, susceptibility to, 1 (BROVCA1). Also called: BRCA1 Hereditary Breast and Ovarian Cancer; OVARIAN CANCER, SUSCEPTIBILITY TO. Identifiers: Orphanet 145, MedGen C2676676, MONDO:0011450, OMIM 604370. Disease mechanism: loss of function.
Familial cancer of breast. Also called: hereditary breast carcinoma; BREAST CANCER, FAMILIAL; Hereditary breast cancer. Identifiers: Orphanet 227535, MedGen C0346153, MONDO:0016419, OMIM 114480. Disease mechanism: loss of function.

Submissions (4):

Evidence-based Network for the Interpretation of Germline Mutant Alleles (ENIGMA)
Classification: Pathogenic for Breast-ovarian cancer, familial, susceptibility to, 1. Last evaluated: 2017-12-15. Review status: reviewed by expert panel. Criteria: ENIGMA BRCA1/2 Classification Criteria (2017-06-29). Collection method: curation. Allele origin: germline. Study: ENIGMA.
Comment: Variant allele predicted to encode a truncated non-functional protein.

Color Diagnostics, LLC DBA Color Health
Classification: Pathogenic for Hereditary cancer-predisposing syndrome. Last evaluated: 2020-01-15. Review status: criteria provided, single submitter. Criteria: ACMG Guidelines, 2015. Collection method: clinical testing. Allele origin: germline. Not counted in ClinVar's aggregate classification.
Comment: This variant changes 1 nucleotide in exon 20 of the BRCA1 gene, creating a premature translation stop signal. This variant is expected to result in an absent or non-functional protein product. This variant has not been identified in the general population by the Genome Aggregation Database (gnomAD). Loss of BRCA1 function is a known mechanism of disease. Based on the available evidence, this variant is classified as Pathogenic.

Brotman Baty Institute, University of Washington
No classification provided (evidence only). Condition: Breast-ovarian cancer, familial 1. Review status: no classification provided. Collection method: in vitro. Allele origin: not applicable. Functional consequence: functionally_abnormal. Not counted in ClinVar's aggregate classification.
ClinVar note: "not provided" was previously submitted as the classification for the variant. However, the classification appeared to be based only on an observation of functional data so it was converted to no classification on 2025-07-30.

ClinVar Staff, National Center for Biotechnology Information (NCBI)
No classification provided. Condition: Familial cancer of breast. Review status: no classification provided. Collection method: literature only. Allele origin: germline. Affected: yes. Not counted in ClinVar's aggregate classification.

Literature cited by the submitters: PubMed 11956590 (cited by ClinVar Staff, National Center for Biotechnology Information (NCBI)).